The following is an entry in ClinVar:

NM_000038.6(APC):c.3568T>A (p.Ser1190Thr)

Gene: APC (APC regulator of Wnt signaling pathway; plus strand). Cytogenetic location: 5q22.2.
Variant type: single nucleotide variant.
Coding change: c.3568T>A on transcript NM_000038.6 (MANE Select); coding-DNA position 3568, T replaced by A.
Protein change: p.Ser1190Thr; replaces serine 1190 with threonine.
Molecular consequence: missense variant.
Genome position (GRCh38, 1-based): chr5:112,839,162, T>A. VCF-style: chr5-112839162-T-A. GRCh37 (hg19) VCF-style: chr5-112174859-T-A.
Other names: c.3568T>A, p.Ser1190Thr (NM_001127510.3, NM_001354895.2); c.3514T>A, p.Ser1172Thr (NM_001127511.3); c.3622T>A, p.Ser1208Thr (NM_001354896.2); c.3598T>A, p.Ser1200Thr (NM_001354897.2); c.3493T>A, p.Ser1165Thr (NM_001354898.2); c.3484T>A, p.Ser1162Thr (NM_001354899.2); c.3445T>A, p.Ser1149Thr (NM_001354900.2); c.3391T>A, p.Ser1131Thr (NM_001354901.2); and 5 more; short protein forms S1165T, S1200T, S1099T, S1149T, S1172T, S1190T, S1208T, S1030T.
Identifiers: ClinVar variation 926949 (VCV000926949.7), dbSNP rs1580637151, ClinGen allele CA16029169.
Genomic context (GRCh38, chr5:112,839,162, plus strand): 5'-AAACGTCATGTGGATCAGCCTATTGATTATAGTTTAAAATATGCCACAGATATTCCTTCA[T>A]CACAGAAACAGTCATTTTCATTCTCAAAGAGTTCATCTGGACAAAGCAGTAAAACCGAAC-3'
Protein context (NP_000029.2, residues 1180-1200): SLKYATDIPS[Ser1190Thr]QKQSFSFSKS

ClinVar aggregate classification (germline): Uncertain significance. Review status: criteria provided, multiple submitters, no conflicts (2 of 4 stars). 2 submissions from 2 submitters: Uncertain significance (2). Last evaluated 2024-03-07.

Conditions:
Hereditary cancer-predisposing syndrome. Also called: Neoplastic Syndromes, Hereditary; Tumor predisposition; Hereditary Cancer Syndrome; Hereditary neoplastic syndrome. Identifiers: Orphanet 140162, MedGen C0027672, MeSH D009386, MONDO:0015356.
Familial adenomatous polyposis 1 (FAP1). Also called: FAMILIAL ADENOMATOUS POLYPOSIS 1, ATTENUATED; POLYPOSIS, ADENOMATOUS INTESTINAL. Identifiers: MedGen C2713442, MONDO:0021056, OMIM 175100. Disease mechanism: loss of function.

Submissions (2):

Color Diagnostics, LLC DBA Color Health
Classification: Uncertain significance for Hereditary cancer-predisposing syndrome. Last evaluated: 2024-03-07. Review status: criteria provided, single submitter. Criteria: ACMG Guidelines, 2015. Collection method: clinical testing. Allele origin: germline.
Comment: This missense variant replaces serine with threonine at codon 1190 of the APC protein. Computational prediction suggests that this variant may not impact protein structure and function (internally defined REVEL score threshold <= 0.5, PMID: 27666373). Splice site prediction tools suggest that this variant may not impact RNA splicing. To our knowledge, functional studies have not been performed for this variant. This variant has not been reported in individuals affected with hereditary cancer in the literature. This variant has not been identified in the general population by the Genome Aggregation Database (gnomAD). The available evidence is insufficient to determine the role of this variant in disease conclusively. Therefore, this variant is classified as a Variant of Uncertain Significance.

Labcorp Genetics (formerly Invitae), Labcorp
Classification: Uncertain significance for Familial adenomatous polyposis 1. Last evaluated: 2023-03-17. Review status: criteria provided, single submitter. Criteria: Invitae Variant Classification Sherloc (09022015). Collection method: clinical testing. Allele origin: germline.
Comment: In summary, the available evidence is currently insufficient to determine the role of this variant in disease. Therefore, it has been classified as a Variant of Uncertain Significance. Advanced modeling of protein sequence and biophysical properties (such as structural, functional, and spatial information, amino acid conservation, physicochemical variation, residue mobility, and thermodynamic stability) performed at Invitae indicates that this missense variant is not expected to disrupt APC protein function. ClinVar contains an entry for this variant (Variation ID: 926949). This variant has not been reported in the literature in individuals affected with APC-related conditions. This variant is not present in population databases (gnomAD no frequency). This sequence change replaces serine, which is neutral and polar, with threonine, which is neutral and polar, at codon 1190 of the APC protein (p.Ser1190Thr).